The following is an entry in ClinVar:

ClinVar aggregate classification (germline): Uncertain significance. Review status: criteria provided, multiple submitters, no conflicts (2 of 4 stars). 2 submissions from 2 submitters: Uncertain significance (2). Last evaluated 2026-01-21.

Conditions:
Oto-palato-digital syndrome, type II (OPD2). Also called: FACIOPALATOOSSEOUS SYNDROME; OPD II SYNDROME; Otopalatodigital Syndrome Type 2 (FLNA-OPD2); Otopalatodigital Syndrome, Type II. Identifiers: Orphanet 669, Orphanet 90652, MedGen C1844696, MONDO:0010571, OMIM 304120.
Heterotopia, periventricular, X-linked dominant (PVNH1). Also called: PERIVENTRICULAR NODULAR HETEROTOPIA 1; X-linked periventricular heterotopia; PERIVENTRICULAR NODULAR HETEROTOPIA 4; HETEROTOPIA, PERIVENTRICULAR, 1. Identifiers: Orphanet 2149, Orphanet 82004, MedGen C1848213, MONDO:0010233, OMIM 300049.
Frontometaphyseal dysplasia (FMD1). Identifiers: Orphanet 1826, MedGen C0265293, MONDO:0015942.
Melnick-Needles syndrome (MNS). Also called: MELNICK-NEEDLES OSTEODYSPLASTY; OSTEODYSPLASTY OF MELNICK AND NEEDLES; Melnick-Needles Syndrome (FLNA-MNS). Identifiers: Orphanet 2484, MedGen C0025237, MONDO:0010650, OMIM 309350.

Submissions (2):

Labcorp Genetics (formerly Invitae), Labcorp
Classification: Uncertain significance for Oto-palato-digital syndrome, type II; Heterotopia, periventricular, X-linked dominant; Frontometaphyseal dysplasia; Melnick-Needles syndrome. Last evaluated: 2026-01-21. Review status: criteria provided, single submitter. Criteria: Invitae Variant Classification Sherloc (09022015). Collection method: clinical testing. Allele origin: germline.
Comment: This sequence change replaces isoleucine, which is neutral and non-polar, with valine, which is neutral and non-polar, at codon 602 of the FLNA protein (p.Ile602Val). This variant is not present in population databases (gnomAD no frequency). This variant has not been reported in the literature in individuals affected with FLNA-related conditions. ClinVar contains an entry for this variant (Variation ID: 387435). Invitae Evidence Modeling of protein sequence and biophysical properties (such as structural, functional, and spatial information, amino acid conservation, physicochemical variation, residue mobility, and thermodynamic stability) indicates that this missense variant is not expected to disrupt FLNA protein function with a negative predictive value of 95%. In summary, the available evidence is currently insufficient to determine the role of this variant in disease. Therefore, it has been classified as a Variant of Uncertain Significance.

GeneDx
Classification: Uncertain significance. Last evaluated: 2016-06-29. Review status: criteria provided, single submitter. Criteria: GeneDx Variant Classification (06012015). Collection method: clinical testing. Allele origin: germline. Affected: yes.
Comment: The I602V variant in the FLNA gene has not been reported previously as a pathogenic variant, nor as a benign variant, to our knowledge. The I602V variant was not observed in approximately 6,400 individuals of European and African American ancestry in the NHLBI Exome Sequencing Project, indicating it is not a common benign variant in these populations. The I602V variant is a conservative amino acid substitution, which is not likely to impact secondary protein structure as these residues share similar properties. This substitution occurs at a position where amino acids with similar properties to Isoleucine are tolerated across species. In silico analysis is inconsistent in its predictions as to whether or not the variant is damaging to the protein structure/function. We interpret I602V as a variant of uncertain significance.

NM_001110556.2(FLNA):c.1804A>G (p.Ile602Val)

Gene: FLNA (filamin A; minus strand). Cytogenetic location: Xq28.
Variant type: single nucleotide variant.
Coding change: c.1804A>G on transcript NM_001110556.2 (MANE Select); coding-DNA position 1804, A replaced by G.
Protein change: p.Ile602Val; replaces isoleucine 602 with valine.
Molecular consequence: missense variant.
Genome position (GRCh38, 1-based): chrX:154,364,845, T>C on the plus strand (A>G on the coding strand, the complement: FLNA is on the minus strand). VCF-style: chrX-154364845-T-C. GRCh37 (hg19) VCF-style: chrX-153593213-T-C.
Other names: c.1804A>G, p.Ile602Val (NM_001456.4); short protein forms I602V.
Identifiers: ClinVar variation 387435 (VCV000387435.10), dbSNP rs1057522788, ClinGen allele CA16608338.